The following is an entry in ClinVar:

ClinVar aggregate classification (germline): Pathogenic (1 of 4 stars; one submission).

Conditions:
Dilated cardiomyopathy 1HH (CMD1HH). Identifiers: Orphanet 154, MedGen C3151293, MONDO:0013479, OMIM 613881.
Myofibrillar myopathy 6. Identifiers: Orphanet 199340, MedGen C2751831, MONDO:0013061, OMIM 612954.

Submission:

Labcorp Genetics (formerly Invitae), Labcorp
Classification: Pathogenic for Dilated cardiomyopathy 1HH; Myofibrillar myopathy 6. Last evaluated: 2020-10-20. Review status: criteria provided, single submitter. Criteria: Invitae Variant Classification Sherloc (09022015). Collection method: clinical testing. Allele origin: germline.
Comment: This sequence change creates a premature translational stop signal (p.Ser275Thrfs*32) in the BAG3 gene. While this is not anticipated to result in nonsense mediated decay, it is expected to disrupt the last 301 amino acid(s) of the BAG3 protein. For these reasons, this variant has been classified as Pathogenic. This variant disrupts the C-terminus of the BAG3 protein. Other variant(s) that disrupt this region (p.Arg309*) have been determined to be pathogenic (PMID: 25448463). This suggests that variants that disrupt this region of the protein are likely to be causative of disease. This variant has not been reported in the literature in individuals with BAG3-related conditions. This variant is not present in population databases (ExAC no frequency).

Literature cited by the submitters: PubMed 25448463.

NM_004281.4(BAG3):c.824del (p.Ser275fs)

Gene: BAG3 (BAG cochaperone 3; plus strand). Cytogenetic location: 10q26.11.
Variant type: Deletion.
Coding change: c.824del on transcript NM_004281.4 (MANE Select); coding-DNA position 824, one base deleted (G; older notation c.824delG).
Protein change: p.Ser275fs; shifts the reading frame from serine 275.
Molecular consequence: frameshift variant.
Genome position (GRCh38, 1-based): chr10:119,672,571, G deleted. VCF-style (leftmost placement, unchanged base first): chr10-119672570-AG-A. GRCh37 (hg19) VCF-style: chr10-121432082-AG-A.
Other names: short protein forms S275fs.
Identifiers: ClinVar variation 1070601 (VCV001070601.9), dbSNP rs2134065363, ClinGen allele CA2499220173.